The following is an entry in ClinVar:

ClinVar aggregate classification (germline): Likely pathogenic. Review status: criteria provided, multiple submitters, no conflicts (2 of 4 stars). 2 submissions from 2 submitters: Likely pathogenic (2). Last evaluated 2025-06-02.

Conditions:
ALG3-congenital disorder of glycosylation. Also called: CONGENITAL DISORDER OF GLYCOSYLATION, TYPE Id; CDG Id; CARBOHYDRATE-DEFICIENT GLYCOPROTEIN SYNDROME, TYPE IV; CDGS, TYPE IV; ALG3-CDG. Identifiers: Orphanet 79321, MedGen C1832736, MONDO:0010998, OMIM 601110.

Allele frequency attached by ClinVar (database versions not stated): ExAC 0.00002.

Submissions (2):

Women's Health and Genetics/Laboratory Corporation of America, LabCorp
Classification: Likely pathogenic for ALG3-congenital disorder of glycosylation. Last evaluated: 2025-06-02. Review status: criteria provided, single submitter. Criteria: LabCorp Variant Classification Summary - May 2015. Collection method: clinical testing. Allele origin: germline.
Comment: Variant summary: ALG3 c.1060C>T (p.Arg354Cys) results in a non-conservative amino acid change in the encoded protein sequence. Algorithms developed to predict the effect of missense changes on protein structure and function all suggest that this variant is likely to be disruptive. The variant allele was found at a frequency of 2.4e-05 in 248692 control chromosomes. c.1060C>T has been observed in individual(s) affected with ALG3-congenital disorder of glycosylation (Haeuptle_2009, Farolfi_2021, internal_testing). These data indicate that the variant may be associated with disease. Additionally, another missense variant affecting this amino acid (p.Arg354His) has been determined to be pathogenic in ClinVar, supporting the critical relevance of codon 354 to ALG3 protein functionTo our knowledge, no experimental evidence demonstrating an impact on protein function has been reported. The following publications have been ascertained in the context of this evaluation (PMID: 19862844, 34090370). ClinVar contains an entry for this variant (Variation ID: 2734602). Based on the evidence outlined above, the variant was classified as likely pathogenic.

Labcorp Genetics (formerly Invitae), Labcorp
Classification: Likely pathogenic for ALG3-congenital disorder of glycosylation. Last evaluated: 2024-12-13. Review status: criteria provided, single submitter. Criteria: Invitae Variant Classification Sherloc (09022015). Collection method: clinical testing. Allele origin: germline.
Comment: This sequence change replaces arginine, which is basic and polar, with cysteine, which is neutral and slightly polar, at codon 354 of the ALG3 protein (p.Arg354Cys). This variant is present in population databases (rs762510540, gnomAD 0.007%). This missense change has been observed in individual(s) with clinical features of ALG3-related conditions and/or congenital disorder of glycosylation (PMID: 19862844, 34090370; internal data). ClinVar contains an entry for this variant (Variation ID: 2734602). Invitae Evidence Modeling of protein sequence and biophysical properties (such as structural, functional, and spatial information, amino acid conservation, physicochemical variation, residue mobility, and thermodynamic stability) indicates that this missense variant is expected to disrupt ALG3 protein function with a positive predictive value of 80%. This variant disrupts the p.Arg354 amino acid residue in ALG3. Other variant(s) that disrupt this residue have been determined to be pathogenic (PMID: 27172925, 29667327). This suggests that this residue is clinically significant, and that variants that disrupt this residue are likely to be disease-causing. In summary, the currently available evidence indicates that the variant is pathogenic, but additional data are needed to prove that conclusively. Therefore, this variant has been classified as Likely Pathogenic.

Literature cited by the submitters: PubMed 19862844 (cited by Women's Health and Genetics/Laboratory Corporation of America, LabCorp and Labcorp Genetics (formerly Invitae), Labcorp); PubMed 34090370 (cited by Women's Health and Genetics/Laboratory Corporation of America, LabCorp and Labcorp Genetics (formerly Invitae), Labcorp); PubMed 27172925 (cited by Labcorp Genetics (formerly Invitae), Labcorp); PubMed 29667327 (cited by Labcorp Genetics (formerly Invitae), Labcorp).

NM_005787.6(ALG3):c.1060C>T (p.Arg354Cys)

Gene: ALG3 (ALG3 alpha-1,3- mannosyltransferase; minus strand). Cytogenetic location: 3q27.1.
Variant type: single nucleotide variant.
Coding change: c.1060C>T on transcript NM_005787.6 (MANE Select); coding-DNA position 1060, C replaced by T.
Protein change: p.Arg354Cys; replaces arginine 354 with cysteine.
Molecular consequence: missense variant. On other transcripts: non-coding transcript variant (2).
Genome position (GRCh38, 1-based): chr3:184,242,907, G>A on the plus strand (C>T on the coding strand, the complement: ALG3 is on the minus strand). VCF-style: chr3-184242907-G-A. GRCh37 (hg19) VCF-style: chr3-183960695-G-A.
Other names: c.916C>T, p.Arg306Cys (NM_001006941.2); c.955C>T, p.Arg319Cys (NM_001006942.1); short protein forms R306C, R319C, R354C.
Identifiers: ClinVar variation 2734602 (VCV002734602.5), dbSNP rs762510540, ClinGen allele CA2729332.